The following is an entry in ClinVar:

NM_000218.3(KCNQ1):c.1643G>A (p.Gly548Asp)

Gene: KCNQ1 (potassium voltage-gated channel subfamily Q member 1; plus strand). Cytogenetic location: 11p15.5.
Variant type: single nucleotide variant.
Coding change: c.1643G>A on transcript NM_000218.3 (MANE Select); coding-DNA position 1643, G replaced by A.
Protein change: p.Gly548Asp; replaces glycine 548 with aspartic acid.
Molecular consequence: missense variant.
Genome position (GRCh38, 1-based): chr11:2,776,012, G>A. VCF-style: chr11-2776012-G-A. GRCh37 (hg19) VCF-style: chr11-2797242-G-A.
Other names: c.1643G>A (LRG_287t1); c.1547G>A, p.Gly516Asp (NM_001406836.1); c.1373G>A, p.Gly458Asp (NM_001406837.1); c.1103G>A, p.Gly368Asp (NM_001406838.1); c.1262G>A, p.Gly421Asp (NM_181798.2); short protein forms G548D, G421D, G458D, G368D, G516D.
Identifiers: ClinVar variation 53001 (VCV000053001.9), dbSNP rs199472799, ClinGen allele CA006100.

ClinVar aggregate classification (germline): Uncertain significance. Review status: criteria provided, single submitter (1 of 4 stars). 2 submissions from 2 submitters: Uncertain significance (1). 1 of the submissions does not count toward it. Last evaluated 2025-11-05.

Conditions:
Familial long QT syndrome (RWS). Also called: Congenital long QT syndrome; Romano-Ward syndrome; VENTRICULAR FIBRILLATION WITH PROLONGED QT INTERVAL. Identifiers: Orphanet 768, MedGen C1141890, MONDO:0019171.
Long QT syndrome (LQTS). Identifiers: MedGen C0023976, MeSH D008133, MONDO:0002442. Disease mechanism: loss of function. Inheritance: Various modes of inheritance.

Submissions (2):

Labcorp Genetics (formerly Invitae), Labcorp
Classification: Uncertain significance for Long QT syndrome. Last evaluated: 2025-11-05. Review status: criteria provided, single submitter. Criteria: Invitae Variant Classification Sherloc (09022015). Collection method: clinical testing. Allele origin: germline.
Comment: This sequence change replaces glycine, which is neutral and non-polar, with aspartic acid, which is acidic and polar, at codon 548 of the KCNQ1 protein (p.Gly548Asp). This variant is not present in population databases (gnomAD no frequency). This missense change has been observed in individual(s) with a personal and/or family history of long QT syndrome (PMID: 16414944; internal data). ClinVar contains an entry for this variant (Variation ID: 53001). Invitae Evidence Modeling of protein sequence and biophysical properties (such as structural, functional, and spatial information, amino acid conservation, physicochemical variation, residue mobility, and thermodynamic stability) indicates that this missense variant is expected to disrupt KCNQ1 protein function with a positive predictive value of 95%. In summary, the available evidence is currently insufficient to determine the role of this variant in disease. Therefore, it has been classified as a Variant of Uncertain Significance.

Cardiovascular Biomedical Research Unit, Royal Brompton & Harefield NHS Foundation Trust
No classification provided. Condition: Familial long QT syndrome. Review status: no classification provided. Collection method: literature only. Allele origin: germline. Not counted in ClinVar's aggregate classification.
Comment: This variant has been reported as associated with Long QT syndrome in the following publications (PMID:16414944). This is a literature report, and does not necessarily reflect the clinical interpretation of the Imperial College / Royal Brompton Cardiovascular Genetics laboratory.

Literature cited by the submitters: PubMed 16414944 (cited by Labcorp Genetics (formerly Invitae), Labcorp and Cardiovascular Biomedical Research Unit, Royal Brompton & Harefield NHS Foundation Trust); PubMed 22581653 (cited by Cardiovascular Biomedical Research Unit, Royal Brompton & Harefield NHS Foundation Trust).